The following is an entry in ClinVar:

NM_000138.5(FBN1):c.5797G>A (p.Glu1933Lys)

Gene: FBN1 (fibrillin 1; minus strand). Cytogenetic location: 15q21.1.
Variant type: single nucleotide variant.
Coding change: c.5797G>A on transcript NM_000138.5 (MANE Select); coding-DNA position 5797, G replaced by A.
Protein change: p.Glu1933Lys; replaces glutamic acid 1933 with lysine.
Molecular consequence: missense variant.
Genome position (GRCh38, 1-based): chr15:48,445,496, C>T on the plus strand (G>A on the coding strand, the complement: FBN1 is on the minus strand). VCF-style: chr15-48445496-C-T. GRCh37 (hg19) VCF-style: chr15-48737693-C-T.
Other names: c.5797G>A (NM_000138.4); short protein forms E1933K.
Identifiers: ClinVar variation 1522965 (VCV001522965.10), dbSNP rs2141249307, ClinGen allele CA392340245.

ClinVar aggregate classification (germline): Uncertain significance. Review status: criteria provided, multiple submitters, no conflicts (2 of 4 stars). 2 submissions from 2 submitters: Uncertain significance (2). Last evaluated 2025-02-02.

Conditions:
Marfan syndrome (MFS). Also called: MARFAN SYNDROME, TYPE I; Marfan syndrome type 1; Marfan's syndrome; Marfan syndrome, classic; FBN1-Related Marfan Syndrome. Identifiers: Orphanet 284963, Orphanet 558, MedGen C0024796, MONDO:0007947, OMIM 154700.
Familial thoracic aortic aneurysm and aortic dissection (TAAD). Also called: Thoracic aortic aneurysms and dissections. Identifiers: Orphanet 91387, MedGen C4707243, MONDO:0019625.

Submissions (2):

Labcorp Genetics (formerly Invitae), Labcorp
Classification: Uncertain significance for Marfan syndrome; Familial thoracic aortic aneurysm and aortic dissection. Last evaluated: 2025-02-02. Review status: criteria provided, single submitter. Criteria: Invitae Variant Classification Sherloc (09022015). Collection method: clinical testing. Allele origin: germline.
Comment: This sequence change replaces glutamic acid, which is acidic and polar, with lysine, which is basic and polar, at codon 1933 of the FBN1 protein (p.Glu1933Lys). This variant is not present in population databases (gnomAD no frequency). This variant has not been reported in the literature in individuals affected with FBN1-related conditions. ClinVar contains an entry for this variant (Variation ID: 1522965). Invitae Evidence Modeling of protein sequence and biophysical properties (such as structural, functional, and spatial information, amino acid conservation, physicochemical variation, residue mobility, and thermodynamic stability) indicates that this missense variant is expected to disrupt FBN1 protein function with a positive predictive value of 95%. In summary, the available evidence is currently insufficient to determine the role of this variant in disease. Therefore, it has been classified as a Variant of Uncertain Significance.

Revvity Omics, Revvity
Classification: Uncertain significance. Last evaluated: 2023-12-15. Review status: criteria provided, single submitter. Criteria: ACMG Guidelines, 2015. Collection method: clinical testing. Allele origin: germline.